The following is an entry in ClinVar:

NM_000260.4(MYO7A):c.285+2T>C

Gene: MYO7A (myosin VIIA; plus strand). Cytogenetic location: 11q13.5.
Variant type: single nucleotide variant.
Coding change: c.285+2T>C on transcript NM_000260.4 (MANE Select); the canonical splice donor site of the intron after coding-DNA position 285, T replaced by C.
Molecular consequence: splice donor variant.
Genome position (GRCh38, 1-based): chr11:77,147,952, T>C. VCF-style: chr11-77147952-T-C. GRCh37 (hg19) VCF-style: chr11-76858998-T-C.
Other names: c.252+2T>C (NM_001369365.1); c.285+2T>C (NM_001127180.2).
Identifiers: ClinVar variation 489095 (VCV000489095.15), dbSNP rs782292032, ClinGen allele CA6197083.

ClinVar aggregate classification (germline): Pathogenic/Likely pathogenic. Review status: criteria provided, multiple submitters, no conflicts (2 of 4 stars). 6 submissions from 6 submitters: Pathogenic (3); Likely pathogenic (3). Last evaluated 2025-10-24.

Conditions:
Rare genetic deafness. Identifiers: Orphanet 96210, MedGen C5680250.
MYO7A-related disorder. Also called: MYO7A-related disorders.
Autosomal recessive nonsyndromic hearing loss 2. Also called: DEAFNESS, AUTOSOMAL RECESSIVE 2; NEUROSENSORY NONSYNDROMIC RECESSIVE DEAFNESS 2. Identifiers: Orphanet 90636, MedGen C1838701, MONDO:0010807, OMIM 600060.

Allele frequency attached by ClinVar (database versions not stated): ExAC below 0.00001.
gnomAD v4.1: 8 of 1,543,160 alleles (0.00052%); highest among the groups gnomAD compares: Non-Finnish European, 0.0007%; no homozygotes.

Submissions (6):

PreventionGenetics, part of Exact Sciences
Classification: Likely pathogenic for MYO7A-related condition. Last evaluated: 2025-10-24. Review status: criteria provided, single submitter. Criteria: ACMG Guidelines, 2015. Collection method: clinical testing. Allele origin: germline.
Comment: The MYO7A c.285+2T>C variant is predicted to disrupt the GT donor site and interfere with normal splicing. This variant was reported along with a second likely pathogenic variant in an individual with hearing loss and night blindness (Table S1, Mansard et al. 2021. PubMed ID: 34948090). This variant is reported in 0.0% of alleles in individuals of African descent in gnomAD. Variants that disrupt the consensus splice donor site in MYO7A are expected to be pathogenic. This variant is interpreted as likely pathogenic.

Labcorp Genetics (formerly Invitae), Labcorp
Classification: Pathogenic. Last evaluated: 2025-08-09. Review status: criteria provided, single submitter. Criteria: Invitae Variant Classification Sherloc (09022015). Collection method: clinical testing. Allele origin: germline.
Comment: This sequence change affects a donor splice site in intron 4 of the MYO7A gene. It is expected to disrupt RNA splicing. Variants that disrupt the donor or acceptor splice site typically lead to a loss of protein function (PMID: 16199547), and loss-of-function variants in MYO7A are known to be pathogenic (PMID: 8900236, 25404053). This variant is not present in population databases (gnomAD no frequency). Disruption of this splice site has been observed in individuals with autosomal recessive Usher syndrome (PMID: 29490346, 33576794; internal data). ClinVar contains an entry for this variant (Variation ID: 489095). Algorithms developed to predict the effect of sequence changes on RNA splicing suggest that this variant may disrupt the consensus splice site. For these reasons, this variant has been classified as Pathogenic.

Blueprint Genetics
Classification: Likely pathogenic for MYO7A-related disorders. Last evaluated: 2019-10-22. Review status: criteria provided, single submitter. Criteria: ACMG Guidelines, 2015. Collection method: clinical testing. Allele origin: germline. Affected: yes. Observed: 1 variant allele.

Mendelics
Classification: Pathogenic for Autosomal recessive nonsyndromic hearing loss 2. Last evaluated: 2019-05-28. Review status: criteria provided, single submitter. Criteria: Mendelics Assertion Criteria 2017. Collection method: clinical testing. Allele origin: unknown.

GeneDx
Classification: Likely pathogenic. Last evaluated: 2018-09-04. Review status: criteria provided, single submitter. Criteria: GeneDx Variant Classification (06012015). Collection method: clinical testing. Allele origin: germline. Affected: yes.
Comment: The c.285+2 T>C splice site variant has not been published as a pathogenic variant, nor has it been reported as a benign variant to our knowledge. The variant destroys the canonical splice donor site in intron 4. It is predicted to cause abnormal gene splicing, either leading to an abnormal message that is subject to nonsense-mediated mRNA decay, or to an abnormal protein product if the message is used for protein translation. In summary, this variant is likely pathogenic.

Laboratory for Molecular Medicine, Mass General Brigham Personalized Medicine
Classification: Pathogenic for Rare genetic deafness. Last evaluated: 2017-05-21. Review status: criteria provided, single submitter. Criteria: LMM Criteria. Collection method: clinical testing. Allele origin: germline. Inheritance: Autosomal recessive inheritance. Observed: 2 variant alleles.
Comment: The c.285+2T>C variant in MYO7A has not been previously reported in individuals with hearing loss or Usher syndrome. Data from large population studies is insuf ficient to assess the frequency of this variant. This variant occurs in the inva riant region (+/- 1/2) of the splice consensus sequence and is predicted to caus e altered splicing leading to an abnormal or absent protein. Loss of function of the MYO7A gene is an established disease mechanism in Usher syndrome. In summar y, this variant meets criteria to be classified as pathogenic for autosomal rece ssive hearing loss or Usher syndrome based on predicted impact to the protein.

Literature cited by the submitters: PubMed 16199547 (cited by Labcorp Genetics (formerly Invitae), Labcorp); PubMed 8900236 (cited by Labcorp Genetics (formerly Invitae), Labcorp); PubMed 25404053 (cited by Labcorp Genetics (formerly Invitae), Labcorp); PubMed 29490346 (cited by Labcorp Genetics (formerly Invitae), Labcorp); PubMed 33576794 (cited by Labcorp Genetics (formerly Invitae), Labcorp).